The following is an entry in ClinVar:

ClinVar aggregate classification (germline): Uncertain significance. Review status: criteria provided, multiple submitters, no conflicts (2 of 4 stars). 3 submissions from 3 submitters: Uncertain significance (3). Last evaluated 2025-06-02.

Conditions:
Familial adenomatous polyposis 1 (FAP1). Also called: FAMILIAL ADENOMATOUS POLYPOSIS 1, ATTENUATED; POLYPOSIS, ADENOMATOUS INTESTINAL. Identifiers: MedGen C2713442, MONDO:0021056, OMIM 175100. Disease mechanism: loss of function.
Hereditary cancer-predisposing syndrome. Also called: Tumor predisposition; Hereditary neoplastic syndrome; Neoplastic Syndromes, Hereditary; Hereditary Cancer Syndrome. Identifiers: Orphanet 140162, MedGen C0027672, MeSH D009386, MONDO:0015356.

Allele frequency attached by ClinVar (database versions not stated): gnomAD exomes below 0.00001.
gnomAD v4.1: 1 of 1,614,122 alleles (0.000062%); highest among the groups gnomAD compares: Non-Finnish European, 0.000085%; no homozygotes.

Submissions (3):

Labcorp Genetics (formerly Invitae), Labcorp
Classification: Uncertain significance for Familial adenomatous polyposis 1. Last evaluated: 2025-06-02. Review status: criteria provided, single submitter. Criteria: Invitae Variant Classification Sherloc (09022015). Collection method: clinical testing. Allele origin: germline.
Comment: This sequence change replaces serine, which is neutral and polar, with phenylalanine, which is neutral and non-polar, at codon 1362 of the APC protein (p.Ser1362Phe). This variant is not present in population databases (gnomAD no frequency). This variant has not been reported in the literature in individuals affected with APC-related conditions. ClinVar contains an entry for this variant (Variation ID: 846824). Invitae Evidence Modeling of protein sequence and biophysical properties (such as structural, functional, and spatial information, amino acid conservation, physicochemical variation, residue mobility, and thermodynamic stability) indicates that this missense variant is not expected to disrupt APC protein function with a negative predictive value of 95%. In summary, the available evidence is currently insufficient to determine the role of this variant in disease. Therefore, it has been classified as a Variant of Uncertain Significance.

Ambry Genetics
Classification: Uncertain significance for Hereditary cancer-predisposing syndrome. Last evaluated: 2023-03-12. Review status: criteria provided, single submitter. Criteria: Ambry Variant Classification Scheme 2023. Collection method: clinical testing. Allele origin: germline.
Comment: The p.S1362F variant (also known as c.4085C>T), located in coding exon 15 of the APC gene, results from a C to T substitution at nucleotide position 4085. The serine at codon 1362 is replaced by phenylalanine, an amino acid with highly dissimilar properties. This amino acid position is conserved. In addition, in silico predictors for this gene do not accurately predict pathogenicity. Since supporting evidence is limited at this time, the clinical significance of this alteration remains unclear.

Color Diagnostics, LLC DBA Color Health
Classification: Uncertain significance for Hereditary cancer-predisposing syndrome. Last evaluated: 2022-11-07. Review status: criteria provided, single submitter. Criteria: ACMG Guidelines, 2015. Collection method: clinical testing. Allele origin: germline.
Comment: This missense variant replaces serine with phenylalanine at codon 1362 of the APC protein. Computational prediction suggests that this variant may not impact protein structure and function (internally defined REVEL score threshold <= 0.5, PMID: 27666373). To our knowledge, functional studies have not been reported for this variant. This variant has not been reported in individuals affected with APC-related disorders in the literature. This variant has not been identified in the general population by the Genome Aggregation Database (gnomAD). The available evidence is insufficient to determine the role of this variant in disease conclusively. Therefore, this variant is classified as a Variant of Uncertain Significance.

NM_000038.6(APC):c.4085C>T (p.Ser1362Phe)

Gene: APC (APC regulator of Wnt signaling pathway; plus strand). Cytogenetic location: 5q22.2.
Variant type: single nucleotide variant.
Coding change: c.4085C>T on transcript NM_000038.6 (MANE Select); coding-DNA position 4085, C replaced by T.
Protein change: p.Ser1362Phe; replaces serine 1362 with phenylalanine.
Molecular consequence: missense variant.
Genome position (GRCh38, 1-based): chr5:112,839,679, C>T. VCF-style: chr5-112839679-C-T. GRCh37 (hg19) VCF-style: chr5-112175376-C-T.
Other names: c.4085C>T, p.Ser1362Phe (NM_001127510.3, NM_001354895.2); c.4031C>T, p.Ser1344Phe (NM_001127511.3); c.4139C>T, p.Ser1380Phe (NM_001354896.2); c.4115C>T, p.Ser1372Phe (NM_001354897.2); c.4010C>T, p.Ser1337Phe (NM_001354898.2); c.4001C>T, p.Ser1334Phe (NM_001354899.2); c.3962C>T, p.Ser1321Phe (NM_001354900.2); c.3908C>T, p.Ser1303Phe (NM_001354901.2); and 5 more; short protein forms S1236F, S1261F, S1334F, S1202F, S1321F, S1362F, S1271F, S1380F.
Identifiers: ClinVar variation 846824 (VCV000846824.50), dbSNP rs1765597797, ClinGen allele CA16030280.